The following is an entry in ClinVar:

NM_001018113.3(FANCB):c.2523A>C (p.Lys841Asn)

Gene: FANCB (FA complementation group B; minus strand). Cytogenetic location: Xp22.2.
Variant type: single nucleotide variant.
Coding change: c.2523A>C on transcript NM_001018113.3 (MANE Select); coding-DNA position 2523, A replaced by C.
Protein change: p.Lys841Asn; replaces lysine 841 with asparagine.
Molecular consequence: missense variant. On other transcripts: intron variant (1).
Genome position (GRCh38, 1-based): chrX:14,843,624, T>G on the plus strand (A>C on the coding strand, the complement: FANCB is on the minus strand). VCF-style: chrX-14843624-T-G. GRCh37 (hg19) VCF-style: chrX-14861746-T-G.
Other names: c.2523A>C, p.Lys841Asn (NM_001324162.2, NM_152633.4); c.2487+36A>C (NM_001410764.1); short protein forms K841N.
Identifiers: ClinVar variation 3649659 (VCV003649659.2).

ClinVar aggregate classification (germline): Uncertain significance (1 of 4 stars; one submission).

Conditions:
Fanconi anemia (FA). Also called: Fanconi's anemia. Identifiers: Orphanet 84, MedGen C0015625, MeSH D005199, MONDO:0019391.

gnomAD v4.1: 1 of 1,208,392 alleles (0.000083%); highest among the groups gnomAD compares: Admixed American, 0.0022%; no homozygotes.

Submission:

Labcorp Genetics (formerly Invitae), Labcorp
Classification: Uncertain significance for Fanconi anemia. Last evaluated: 2025-02-17. Review status: criteria provided, single submitter. Criteria: Invitae Variant Classification Sherloc (09022015). Collection method: clinical testing. Allele origin: germline.
Comment: This sequence change replaces lysine, which is basic and polar, with asparagine, which is neutral and polar, at codon 841 of the FANCB protein (p.Lys841Asn). This variant is present in population databases (no rsID available, gnomAD 0.004%). This variant has not been reported in the literature in individuals affected with FANCB-related conditions. Invitae Evidence Modeling of protein sequence and biophysical properties (such as structural, functional, and spatial information, amino acid conservation, physicochemical variation, residue mobility, and thermodynamic stability) indicates that this missense variant is not expected to disrupt FANCB protein function with a negative predictive value of 80%. In summary, the available evidence is currently insufficient to determine the role of this variant in disease. Therefore, it has been classified as a Variant of Uncertain Significance.